The following is an entry in ClinVar:

NM_001042492.3(NF1):c.6564del (p.Pro2189fs)

Gene: NF1 (neurofibromin 1; plus strand). Cytogenetic location: 17q11.2.
Variant type: Deletion.
Coding change: c.6564del on transcript NM_001042492.3 (MANE Select); coding-DNA position 6564, one base deleted (T; older notation c.6564delT).
Protein change: p.Pro2189fs; shifts the reading frame from proline 2189.
Molecular consequence: frameshift variant.
Genome position (GRCh38, 1-based): chr17:31,337,504, T deleted. VCF-style (leftmost placement, unchanged base first): chr17-31337503-CT-C. GRCh37 (hg19) VCF-style: chr17-29664521-CT-C.
Other names: c.6501del, p.Pro2168fs (NM_000267.4); short protein forms P2168fs, P2189fs.
Identifiers: ClinVar variation 5016486 (VCV005016486.1).

ClinVar aggregate classification (germline): Likely pathogenic (1 of 4 stars; one submission).

Conditions:
Neurofibromatosis, type 1 (NF1). Also called: VON RECKLINGHAUSEN DISEASE; NEUROFIBROMATOSIS, TYPE I, SOMATIC; Peripheral type neurofibromatosis; Neurofibromatosis, type I. Identifiers: Orphanet 636, MedGen C0027831, MONDO:0018975, OMIM 162200. Disease mechanism: loss of function.

Submission:

Laboratorio de Genética, Hospital Universitario Reina Sofía
Classification: Likely pathogenic for Neurofibromatosis, type 1. Last evaluated: 2024-04-22. Review status: criteria provided, single submitter. Criteria: ACMG Guidelines, 2015. Collection method: clinical testing. Allele origin: de novo. Inheritance: Autosomal dominant inheritance. Affected: yes. Observed: 1 variant allele, 1 heterozygote.
Comment: This variant is classified as Likely Pathogenic as it meets the following ACMG/AMP criteria: PVS1 (Very Strong), since NM_001042492.3(NF1):c.6564del is a frameshift (predicted loss-of-function) variant in NF1, a gene in which loss of function is an established disease mechanism for neurofibromatosis type 1; PM2 (Moderate), as it is absent/extremely rare in population databases; and PM6, as parental studies showed the variant is absent in the mother and the father is unavailable for testing, supporting an assumed de novo event without confirmation of paternity/maternity for both parents (with the usual caveat of possible parental germline mosaicism)